The following is an entry in ClinVar:

ClinVar aggregate classification (germline): Uncertain significance. Review status: criteria provided, multiple submitters, no conflicts (2 of 4 stars). 2 submissions from 2 submitters: Uncertain significance (2). Last evaluated 2023-05-02.

Conditions:
Familial cancer of breast. Also called: Hereditary breast cancer; BREAST CANCER, FAMILIAL; hereditary breast carcinoma. Identifiers: Orphanet 227535, MedGen C0346153, MONDO:0016419, OMIM 114480. Disease mechanism: loss of function.

Submissions (2):

Baylor Genetics
Classification: Uncertain significance for Familial cancer of breast. Last evaluated: 2023-05-02. Review status: criteria provided, single submitter. Criteria: ACMG Guidelines, 2015. Collection method: clinical testing. Allele origin: unknown.

Labcorp Genetics (formerly Invitae), Labcorp
Classification: Uncertain significance for Familial cancer of breast. Last evaluated: 2021-08-18. Review status: criteria provided, single submitter. Criteria: Invitae Variant Classification Sherloc (09022015). Collection method: clinical testing. Allele origin: germline.
Comment: In summary, the available evidence is currently insufficient to determine the role of this variant in disease. Therefore, it has been classified as a Variant of Uncertain Significance. Algorithms developed to predict the effect of missense changes on protein structure and function (SIFT, PolyPhen-2, Align-GVGD) all suggest that this variant is likely to be disruptive. This variant has not been reported in the literature in individuals affected with BARD1-related conditions. This variant is not present in population databases (ExAC no frequency). This sequence change replaces lysine with asparagine at codon 688 of the BARD1 protein (p.Lys688Asn). The lysine residue is highly conserved and there is a moderate physicochemical difference between lysine and asparagine.

NM_000465.4(BARD1):c.2064G>C (p.Lys688Asn)

Gene: BARD1 (BRCA1 associated RING domain 1; minus strand). Cytogenetic location: 2q35.
Variant type: single nucleotide variant.
Coding change: c.2064G>C on transcript NM_000465.4 (MANE Select); coding-DNA position 2064, G replaced by C.
Protein change: p.Lys688Asn; replaces lysine 688 with asparagine.
Molecular consequence: missense variant. On other transcripts: non-coding transcript variant (3).
Genome position (GRCh38, 1-based): chr2:214,728,946, C>G on the plus strand (G>C on the coding strand, the complement: BARD1 is on the minus strand). VCF-style: chr2-214728946-C-G. GRCh37 (hg19) VCF-style: chr2-215593670-C-G.
Other names: c.2007G>C, p.Lys669Asn (NM_001282543.2); c.711G>C, p.Lys237Asn (NM_001282545.2); c.654G>C, p.Lys218Asn (NM_001282548.2); c.525G>C, p.Lys175Asn (NM_001282549.2); short protein forms K175N, K237N, K669N, K218N, K688N.
Identifiers: ClinVar variation 1375854 (VCV001375854.8), dbSNP rs1553612214, ClinGen allele CA350450691.